The following is an entry in ClinVar:

ClinVar aggregate classification (germline): Likely benign. Review status: criteria provided, multiple submitters, no conflicts (2 of 4 stars). 2 submissions from 2 submitters: Likely benign (2). Last evaluated 2025-03-17.

Conditions:
GREB1L-related disorder. Also called: GREB1L-related condition.

gnomAD v4.1: 86 of 1,551,582 alleles (0.0055%); highest among the groups gnomAD compares: Middle Eastern, 0.017%; no homozygotes.

Submissions (2):

Women's Health and Genetics/Laboratory Corporation of America, LabCorp
Classification: Likely benign. Last evaluated: 2025-03-17. Review status: criteria provided, single submitter. Criteria: LabCorp Variant Classification Summary - May 2015. Collection method: clinical testing. Allele origin: germline.

PreventionGenetics, part of Exact Sciences
Classification: Likely benign for GREB1L-related condition. Last evaluated: 2025-01-07. Review status: criteria provided, single submitter. Criteria: ACMG Guidelines, 2015. Collection method: clinical testing. Allele origin: germline.
Comment: This variant is classified as likely benign based on ACMG/AMP sequence variant interpretation guidelines (Richards et al. 2015 PMID: 25741868, with internal and published modifications).

NM_001142966.3(GREB1L):c.3324C>T (p.Asp1108=)

Gene: GREB1L (GREB1 like retinoic acid receptor coactivator; plus strand). Cytogenetic location: 18q11.1.
Variant type: single nucleotide variant.
Coding change: c.3324C>T on transcript NM_001142966.3 (MANE Select); coding-DNA position 3324, C replaced by T.
Protein change: p.Asp1108=; no amino-acid change (aspartic acid 1108 retained).
Molecular consequence: synonymous variant.
Genome position (GRCh38, 1-based): chr18:21,496,631, C>T. VCF-style: chr18-21496631-C-T. GRCh37 (hg19) VCF-style: chr18-19076592-C-T.
Other names: c.3324C>T (NM_001142966.1); c.3453C>T, p.Asp1151= (NM_001410867.1); c.2997C>T, p.Asp999= (NM_001410868.1).
Identifiers: ClinVar variation 3895629 (VCV003895629.2).
Genomic context (GRCh38, chr18:21,496,631, plus strand): 5'-CACTGTTGCCCTGGACCTCAGCGGGAAGGAGCAGGAGAGAGCTGCTGTCAGTGAGAATGA[C>T]TCCGATGAGCTGCTCATCGACCTGGAGCGGCCCCAGAGCAACAGCAGCGCTGTCACAGGG-3'
Protein context (NP_001136438.1, residues 1098-1118): EQERAAVSEN[Asp1108=]SDELLIDLER